The following is an entry in ClinVar:

ClinVar aggregate classification (germline): Benign/Likely benign. Review status: criteria provided, multiple submitters, no conflicts (2 of 4 stars). 6 submissions from 6 submitters: Benign (1); Likely benign (5). Last evaluated 2025-08-30.

Conditions:
Hereditary cancer-predisposing syndrome. Also called: Neoplastic Syndromes, Hereditary; Hereditary Cancer Syndrome; Hereditary neoplastic syndrome; Tumor predisposition. Identifiers: Orphanet 140162, MedGen C0027672, MeSH D009386, MONDO:0015356.
Juvenile polyposis syndrome (JPS). Identifiers: Orphanet 2929, MedGen C0345893, MONDO:0017380, OMIM 174900.
Familial thoracic aortic aneurysm and aortic dissection (TAAD). Also called: Thoracic aortic aneurysms and dissections. Identifiers: Orphanet 91387, MedGen C4707243, MONDO:0019625.
Juvenile polyposis/hereditary hemorrhagic telangiectasia syndrome (JPHT). Also called: POLYPOSIS, GENERALIZED JUVENILE, WITH PULMONARY ARTERIOVENOUS MALFORMATION; TELANGIECTASIA, HEREDITARY HEMORRHAGIC, WITH JUVENILE POLYPOSIS COLI; Juvenile Polyposis Syndrome / Hereditary Hemorrhagic Telangiectasia (JPS/HHT); JP/HHT SYNDROME; JUVENILE POLYPOSIS WITH HEREDITARY HEMORRHAGIC TELANGIECTASIA. Identifiers: Orphanet 2929, MedGen C1832942, MONDO:0008278, OMIM 175050.

Allele frequency attached by ClinVar (database versions not stated): gnomAD 0.00001.
gnomAD v4.1: 1 of 1,613,878 alleles (0.000062%); highest among the groups gnomAD compares: Non-Finnish European, 0.000085%; no homozygotes.

Submissions (6):

Labcorp Genetics (formerly Invitae), Labcorp
Classification: Likely benign for Juvenile polyposis syndrome. Last evaluated: 2025-08-30. Review status: criteria provided, single submitter. Criteria: Invitae Variant Classification Sherloc (09022015). Collection method: clinical testing. Allele origin: germline.

ARUP Laboratories, Molecular Genetics and Genomics, ARUP Laboratories
Classification: Likely benign. Last evaluated: 2025-05-06. Review status: criteria provided, single submitter. Criteria: ARUP Molecular Germline Variant Investigation Process 2024. Collection method: clinical testing. Allele origin: germline.

Myriad Genetics, Inc.
Classification: Benign for Juvenile polyposis/hereditary hemorrhagic telangiectasia syndrome. Last evaluated: 2025-03-18. Review status: criteria provided, single submitter. Criteria: Myriad Autosomal Dominant, Autosomal Recessive and X-Linked Classification Criteria (2023). Collection method: clinical testing. Allele origin: unknown.
Comment: This variant is considered benign. This variant is a silent/synonymous amino acid change and it is not expected to impact splicing.

Color Diagnostics, LLC DBA Color Health
Classification: Likely benign for Hereditary cancer-predisposing syndrome. Last evaluated: 2020-04-28. Review status: criteria provided, single submitter. Criteria: ACMG Guidelines, 2015. Collection method: clinical testing. Allele origin: germline.

Ambry Genetics
Classification: Likely benign for Hereditary cancer-predisposing syndrome; Familial thoracic aortic aneurysm and aortic dissection. Last evaluated: 2019-05-13. Review status: criteria provided, single submitter. Criteria: Ambry Variant Classification Scheme 2023. Collection method: clinical testing. Allele origin: germline.

GeneDx
Classification: Likely benign. Last evaluated: 2016-09-19. Review status: criteria provided, single submitter. Criteria: GeneDx Variant Classification (06012015). Collection method: clinical testing. Allele origin: germline. Affected: yes.
Comment: This variant is considered likely benign or benign based on one or more of the following criteria: it is a conservative change, it occurs at a poorly conserved position in the protein, it is predicted to be benign by multiple in silico algorithms, and/or has population frequency not consistent with disease.

NM_005359.6(SMAD4):c.144G>A (p.Lys48=)

Gene: SMAD4 (SMAD family member 4; plus strand). Cytogenetic location: 18q21.2.
Variant type: single nucleotide variant.
Coding change: c.144G>A on transcript NM_005359.6 (MANE Select); coding-DNA position 144, G replaced by A.
Protein change: p.Lys48=; no amino-acid change (lysine 48 retained).
Molecular consequence: synonymous variant.
Genome position (GRCh38, 1-based): chr18:51,047,190, G>A. VCF-style: chr18-51047190-G-A. GRCh37 (hg19) VCF-style: chr18-48573560-G-A.
Identifiers: ClinVar variation 389462 (VCV000389462.18), dbSNP rs1057523437, ClinGen allele CA16607943.